The following is an entry in ClinVar:

NM_001244926.2(PRPF4):c.1198A>G (p.Met400Val)

Gene: PRPF4 (pre-mRNA splicing tri-snRNP complex factor PRPF4; plus strand). Cytogenetic location: 9q32.
Variant type: single nucleotide variant.
Coding change: c.1198A>G on transcript NM_001244926.2 (MANE Select); coding-DNA position 1198, A replaced by G.
Protein change: p.Met400Val; replaces methionine 400 with valine.
Molecular consequence: missense variant. On other transcripts: non-coding transcript variant (2).
Genome position (GRCh38, 1-based): chr9:113,290,752, A>G. VCF-style: chr9-113290752-A-G. GRCh37 (hg19) VCF-style: chr9-116053032-A-G.
Other names: c.472A>G, p.Met158Val (NM_001322266.2, NM_001322267.2); c.1201A>G, p.Met401Val (NM_004697.5); short protein forms M158V, M400V, M401V.
Identifiers: ClinVar variation 4762700 (VCV004762700.1).

ClinVar aggregate classification (germline): Uncertain significance (1 of 4 stars; one submission).

gnomAD v4.1: 3 of 1,614,076 alleles (0.00019%); highest among the groups gnomAD compares: Admixed American, 0.0017%; no homozygotes.

Submission:

Labcorp Genetics (formerly Invitae), Labcorp
Classification: Uncertain significance. Last evaluated: 2025-09-10. Review status: criteria provided, single submitter. Criteria: Invitae Variant Classification Sherloc (09022015). Collection method: clinical testing. Allele origin: germline.
Comment: This sequence change replaces methionine, which is neutral and non-polar, with valine, which is neutral and non-polar, at codon 401 of the PRPF4 protein (p.Met401Val). This variant is present in population databases (rs771241190, gnomAD 0.003%). This variant has not been reported in the literature in individuals affected with PRPF4-related conditions. An algorithm developed to predict the effect of missense changes on protein structure and function (PolyPhen-2) suggests that this variant is likely to be tolerated. In summary, the available evidence is currently insufficient to determine the role of this variant in disease. Therefore, it has been classified as a Variant of Uncertain Significance.